The following is an entry in ClinVar:

ClinVar aggregate classification (germline): Uncertain significance. Review status: criteria provided, multiple submitters, no conflicts (2 of 4 stars). 2 submissions from 2 submitters: Uncertain significance (2). Last evaluated 2026-03-21.

Conditions:
Cardiovascular phenotype. Identifiers: MedGen CN230736.

Submissions (2):

Ambry Genetics
Classification: Uncertain significance for Cardiovascular phenotype. Last evaluated: 2026-03-21. Review status: criteria provided, single submitter. Criteria: Ambry Variant Classification Scheme 2023. Collection method: clinical testing. Allele origin: germline.
Comment: The p.P1765A variant (also known as c.5293C>G), located in coding exon 2 of the ZNF469 gene, results from a C to G substitution at nucleotide position 5293. The proline at codon 1765 is replaced by alanine, an amino acid with highly similar properties. This amino acid position is conserved. In addition, this alteration is predicted to be tolerated by in silico analysis. Based on the available evidence, the clinical significance of this variant remains unclear.

GeneDx
Classification: Uncertain significance. Last evaluated: 2024-06-26. Review status: criteria provided, single submitter. Criteria: GeneDx Variant Classification Process June 2021. Collection method: clinical testing. Allele origin: germline. Affected: yes.
Comment: Not observed at significant frequency in large population cohorts (gnomAD); In silico analysis indicates that this missense variant does not alter protein structure/function; Has not been previously published as pathogenic or benign to our knowledge

NM_001367624.2(ZNF469):c.5377C>G (p.Pro1793Ala)

Gene: ZNF469 (zinc finger protein 469; plus strand). Cytogenetic location: 16q24.2.
Variant type: single nucleotide variant.
Coding change: c.5377C>G on transcript NM_001367624.2 (MANE Select); coding-DNA position 5377, C replaced by G.
Protein change: p.Pro1793Ala; replaces proline 1793 with alanine.
Molecular consequence: missense variant.
Genome position (GRCh38, 1-based): chr16:88,432,847, C>G. VCF-style: chr16-88432847-C-G. GRCh37 (hg19) VCF-style: chr16-88499255-C-G.
Other names: NM_001127464.1:c.5293C>G; short protein forms P1793A.
Identifiers: ClinVar variation 3392883 (VCV003392883.2).
Genomic context (GRCh38, chr16:88,432,847, plus strand): 5'-AGAGGAGGGTTCCTCCCAGAGCCCGGCACAGCAGACCAGCCCCACCGAGGGGCCCCTGCT[C>G]CAGAAGCTTTTGGCAGCCCTGCTGTCCATCTGGCCCCTGACTTGGCATTTCAGGGTGACG-3'
Protein context (NP_001354553.1, residues 1783-1803): ADQPHRGAPA[Pro1793Ala]EAFGSPAVHL